The following is an entry in ClinVar:

NM_001384140.1(PCDH15):c.593C>T (p.Pro198Leu)

Gene: PCDH15 (protocadherin related 15; minus strand). Cytogenetic location: 10q21.1.
Variant type: single nucleotide variant.
Coding change: c.593C>T on transcript NM_001384140.1 (MANE Select); coding-DNA position 593, C replaced by T.
Protein change: p.Pro198Leu; replaces proline 198 with leucine.
Molecular consequence: missense variant.
Genome position (GRCh38, 1-based): chr10:54,346,366, G>A on the plus strand (C>T on the coding strand, the complement: PCDH15 is on the minus strand). VCF-style: chr10-54346366-G-A. GRCh37 (hg19) VCF-style: chr10-56106126-G-A.
Other names: c.608C>T, p.Pro203Leu (NM_001142763.2, NM_001142769.4, NM_001142771.2); c.593C>T, p.Pro198Leu (NM_001142764.2, NM_001142765.2, NM_001142766.2 and 8 more transcripts); c.527C>T, p.Pro176Leu (NM_001142768.2, NM_001142773.2, NM_001354404.2); short protein forms P198L, P203L, P176L.
Identifiers: ClinVar variation 46509 (VCV000046509.24), dbSNP rs145232643, ClinGen allele CA138491.

ClinVar aggregate classification (germline): Conflicting classifications of pathogenicity. Review status: criteria provided, conflicting classifications (1 of 4 stars). 10 submissions from 10 submitters: Uncertain significance (8); Likely benign (1). 1 of the submissions does not count toward it. Last evaluated 2026-08-01.

Conditions:
PCDH15-related disorder. Also called: PCDH15-related disorders; PCDH15-related condition.
Inborn genetic diseases. Identifiers: MedGen C0950123, MeSH D030342.
Usher syndrome type 1D (USH1D). Also called: USHER SYNDROME, TYPE ID. Identifiers: Orphanet 231169, Orphanet 886, MedGen C1832845, MONDO:0010984, OMIM 601067.
Usher syndrome type 1F (USH1F). Also called: USHER SYNDROME, TYPE IF. Identifiers: Orphanet 231169, Orphanet 886, MedGen C1865885, MONDO:0011186, OMIM 602083.
Autosomal recessive nonsyndromic hearing loss 23. Identifiers: Orphanet 90636, MedGen C1836027, MONDO:0012293, OMIM 609533.
Usher syndrome type 1 (USH1). Also called: RETINITIS PIGMENTOSA AND CONGENITAL DEAFNESS. Identifiers: Orphanet 231169, Orphanet 886, MedGen C1568247, MONDO:0010168, OMIM 276900.

Allele frequency attached by ClinVar (database versions not stated): ExAC 0.00021; TOPMed 0.00021; gnomAD exomes 0.00022 and 0.00048; gnomAD 0.00024; ESP Exome Variant Server 0.00031.
gnomAD v4.1: 737 of 1,612,156 alleles (0.046%); highest among the groups gnomAD compares: Middle Eastern, 0.16%; no homozygotes.

Submissions (10):

PreventionGenetics, part of Exact Sciences
Classification: Uncertain significance for PCDH15-related condition. Last evaluated: 2026-08-01. Review status: criteria provided, single submitter. Criteria: ACMG Guidelines, 2015. Collection method: clinical testing. Allele origin: germline.
Comment: The PCDH15 c.593C>T variant is predicted to result in the amino acid substitution p.Pro198Leu. To our knowledge, this variant has not been reported in the literature. This variant is reported in 0.039% of alleles in individuals of European (Non-Finnish) descent in gnomAD. At this time, the clinical significance of this variant is uncertain due to the absence of conclusive functional and genetic evidence.

GeneDx
Classification: Uncertain significance. Last evaluated: 2025-09-08. Review status: criteria provided, single submitter. Criteria: GeneDx Variant Classification Process June 2021. Collection method: clinical testing. Allele origin: germline. Affected: yes.
Comment: Observed in a patient with retinitis pigmentosa who was also heterozygous for variants in other genes in published literature (PMID: 28912962); In silico analysis supports that this missense variant has a deleterious effect on protein structure/function; This variant is associated with the following publications: (PMID: 28912962)

Blueprint Genetics
Classification: Likely benign. Last evaluated: 2024-10-17. Review status: criteria provided, single submitter. Criteria: ACMG Guidelines, 2015. Collection method: clinical testing. Allele origin: germline.

Ambry Genetics
Classification: Uncertain significance for Inborn genetic diseases. Last evaluated: 2024-09-08. Review status: criteria provided, single submitter. Criteria: Ambry Variant Classification Scheme 2023. Collection method: clinical testing. Allele origin: germline.

Labcorp Genetics (formerly Invitae), Labcorp
Classification: Uncertain significance. Last evaluated: 2022-10-17. Review status: criteria provided, single submitter. Criteria: Invitae Variant Classification Sherloc (09022015). Collection method: clinical testing. Allele origin: germline.
Comment: This sequence change replaces proline, which is neutral and non-polar, with leucine, which is neutral and non-polar, at codon 198 of the PCDH15 protein (p.Pro198Leu). This variant is present in population databases (rs145232643, gnomAD 0.03%). This variant has not been reported in the literature in individuals affected with PCDH15-related conditions. ClinVar contains an entry for this variant (Variation ID: 46509). Algorithms developed to predict the effect of missense changes on protein structure and function (SIFT, PolyPhen-2, Align-GVGD) all suggest that this variant is likely to be tolerated. In summary, the available evidence is currently insufficient to determine the role of this variant in disease. Therefore, it has been classified as a Variant of Uncertain Significance.

Mayo Clinic Laboratories, Mayo Clinic
Classification: Uncertain significance. Last evaluated: 2022-04-12. Review status: criteria provided, single submitter. Criteria: ACMG Guidelines, 2015. Collection method: clinical testing. Allele origin: germline. Observed: 2 variant alleles.
Comment: BP4, PM2_supporting

Fulgent Genetics
Classification: Uncertain significance for Usher syndrome type 1D; Usher syndrome type 1F; Autosomal recessive nonsyndromic hearing loss 23. Last evaluated: 2022-03-23. Review status: criteria provided, single submitter. Criteria: ACMG Guidelines, 2015. Collection method: clinical testing. Allele origin: unknown.

Laboratory for Molecular Medicine, Mass General Brigham Personalized Medicine
Classification: Uncertain significance. Last evaluated: 2019-05-09. Review status: criteria provided, single submitter. Criteria: ACMG Guidelines, 2015. Collection method: clinical testing. Allele origin: germline.
Comment: The p.Pro198Leu variant in PCDH15 has been previously identified by our laboratory in three individuals with hearing loss who did not have a second PCDH15 variant. This variant has also been identified in 0.03% (50/128964) of European chromosomes by gnomAD. Computational prediction tools and conservation analyses suggest that this variant may not impact the protein, though this information is not predictive enough to rule out pathogenicity. In summary, while the clinical significance of the p.Pro198Leu variant is uncertain, available data suggest that it is more likely to be benign. PM2_Supporting, BP4.

Illumina Laboratory Services, Illumina
Classification: Uncertain significance for Usher syndrome type 1. Last evaluated: 2018-01-13. Review status: criteria provided, single submitter. Criteria: ICSL Variant Classification Criteria 13 December 2019. Collection method: clinical testing. Allele origin: germline.

Natera, Inc.
Classification: Uncertain significance for Usher syndrome type 1F. Last evaluated: 2020-09-16. Review status: no assertion criteria provided. Collection method: clinical testing. Allele origin: germline. Not counted in ClinVar's aggregate classification.